The following is an entry in ClinVar:

ClinVar aggregate classification (germline): Pathogenic/Likely pathogenic. Review status: criteria provided, multiple submitters, no conflicts (2 of 4 stars). 4 submissions from 4 submitters: Pathogenic (1); Likely pathogenic (3). Last evaluated 2020-05-04.

Conditions:
Hereditary cancer-predisposing syndrome. Also called: Tumor predisposition; Hereditary Cancer Syndrome; Hereditary neoplastic syndrome; Neoplastic Syndromes, Hereditary. Identifiers: Orphanet 140162, MedGen C0027672, MeSH D009386, MONDO:0015356.

Submissions (4):

Color Diagnostics, LLC DBA Color Health
Classification: Likely pathogenic for Hereditary cancer-predisposing syndrome. Last evaluated: 2020-05-04. Review status: criteria provided, single submitter. Criteria: ACMG Guidelines, 2015. Collection method: clinical testing. Allele origin: germline.
Comment: This variant causes at a minimum the deletion of the last 13 nucleotides in exon 10 (r.1553_1565del) and the intron 10 splice donor site in the CDH1 gene. To our knowledge, functional and RNA studies have not been reported for this variant, nor has this variant been reported in individuals affected with hereditary cancer in the literature. Other variants that disrupted the canonical intron 10 splice donor site has been reported in individuals affected with breast and diffuse gastric cancer (PMID: 11968084, 18046629, 18788075, 24506336, 26182300, 26681312, 27064202, 27153395, and Lowstuter 2017). This variant has not been identified in the general population by the Genome Aggregation Database (gnomAD). Loss of CDH1 function is a known mechanism of disease. Based on the available evidence, this variant is classified as Likely Pathogenic.

GeneDx
Classification: Pathogenic. Last evaluated: 2019-05-13. Review status: criteria provided, single submitter. Criteria: GeneDx Variant Classification Process June 2021. Collection method: clinical testing. Allele origin: germline. Affected: yes.
Comment: Not observed in large population cohorts (Lek et al., 2016); Has not been previously published as pathogenic or benign to our knowledge

Ambry Genetics
Classification: Likely pathogenic for Hereditary cancer-predisposing syndrome. Last evaluated: 2018-03-02. Review status: criteria provided, single submitter. Criteria: Ambry Variant Classification Scheme 2023. Collection method: clinical testing. Allele origin: germline.
Comment: The c.1553_1565+39del52 variant spans the 3' exon/intron boundary of coding exon 10 in the CDH1 gene. This variant results from a deletion of 52 nucleotides at positions c.1553 to c.1565+39. Using the BDGP and ESEfinder splice site prediction tools, this alteration is predicted to abolish the native splice donor site; however, direct evidence is unavailable. Alterations that disrupt the canonical splice site are expected to cause aberrant splicing, resulting in an abnormal protein or a transcript that is subject to nonsense-mediated mRNA decay. As such, this alteration is classified as likely pathogenic.

Quest Diagnostics Nichols Institute San Juan Capistrano
Classification: Likely pathogenic. Last evaluated: 2017-11-08. Review status: criteria provided, single submitter. Criteria: Quest Diagnostics criteria. Collection method: clinical testing. Allele origin: germline.

NM_004360.5(CDH1):c.1553_1565+39del

Gene: CDH1 (cadherin 1; plus strand). Cytogenetic location: 16q22.1.
Variant type: Deletion.
Coding change: c.1553_1565+39del on transcript NM_004360.5 (MANE Select); coding-DNA position 1553 through 39 bases into the intron after coding-DNA position 1565, 52 bases deleted.
Molecular consequence: splice donor variant. On other transcripts: initiator codon variant (1).
Genome position (GRCh38, 1-based): chr16:68,815,747-68,815,798, 52 bases deleted. GRCh37 (hg19): chr16:68,849,650-68,849,701.
Other names: c.1553_1565+39del (LRG_301t1); c.5_17+39del (NM_001317185.2); c.-267_-255+39del (NM_001317186.2); c.1370_1382+39del (NM_001317184.2).
Identifiers: ClinVar variation 486829 (VCV000486829.12), dbSNP rs1555516191, ClinGen allele CA658658489.